The following is an entry in ClinVar:

ClinVar aggregate classification (germline): Uncertain significance. Review status: criteria provided, multiple submitters, no conflicts (2 of 4 stars). 2 submissions from 2 submitters: Uncertain significance (2). Last evaluated 2022-02-28.

Conditions:
Hypoparathyroidism-retardation-dysmorphism syndrome (HRDS). Also called: SANJAD-SAKATI SYNDROME. Identifiers: Orphanet 2323, MedGen C1855840, MONDO:0009426, OMIM 241410.
Autosomal recessive Kenny-Caffey syndrome (KCS1). Identifiers: Orphanet 2333, Orphanet 93324, MedGen C1855648, MONDO:0009486, OMIM 244460.
Encephalopathy, progressive, with amyotrophy and optic atrophy (PEAMO). Identifiers: MedGen C4310667, MONDO:0014968, OMIM 617207.

Allele frequency attached by ClinVar (database versions not stated): gnomAD exomes below 0.00001 and 0.00003; TOPMed 0.00001.
gnomAD v4.1: 48 of 1,613,708 alleles (0.003%); highest among the groups gnomAD compares: Non-Finnish European, 0.0038%; no homozygotes.

Submissions (2):

Labcorp Genetics (formerly Invitae), Labcorp
Classification: Uncertain significance. Last evaluated: 2022-02-28. Review status: criteria provided, single submitter. Criteria: Invitae Variant Classification Sherloc (09022015). Collection method: clinical testing. Allele origin: germline.
Comment: This sequence change falls in intron 10 of the TBCE gene. It does not directly change the encoded amino acid sequence of the TBCE protein. It affects a nucleotide within the consensus splice site. This variant is present in population databases (rs759799813, gnomAD 0.0009%). This variant has not been reported in the literature in individuals affected with TBCE-related conditions. Variants that disrupt the consensus splice site are a relatively common cause of aberrant splicing (PMID: 17576681, 9536098). Algorithms developed to predict the effect of sequence changes on RNA splicing suggest that this variant may disrupt the consensus splice site. In summary, the available evidence is currently insufficient to determine the role of this variant in disease. Therefore, it has been classified as a Variant of Uncertain Significance.

Fulgent Genetics
Classification: Uncertain significance for Hypoparathyroidism-retardation-dysmorphism syndrome; Autosomal recessive Kenny-Caffey syndrome; Encephalopathy, progressive, with amyotrophy and optic atrophy. Last evaluated: 2022-01-19. Review status: criteria provided, single submitter. Criteria: ACMG Guidelines, 2015. Collection method: clinical testing. Allele origin: unknown.

Literature cited by the submitters: PubMed 17576681 (cited by Labcorp Genetics (formerly Invitae), Labcorp); PubMed 9536098 (cited by Labcorp Genetics (formerly Invitae), Labcorp).

NM_003193.5(TBCE):c.898+6T>C

Gene: TBCE (tubulin folding cofactor E; plus strand). Cytogenetic location: 1q42.3.
Variant type: single nucleotide variant.
Coding change: c.898+6T>C on transcript NM_003193.5 (MANE Select); 6 bases into the intron after coding-DNA position 898, T replaced by C.
Molecular consequence: intron variant.
Genome position (GRCh38, 1-based): chr1:235,436,456, T>C. VCF-style: chr1-235436456-T-C. GRCh37 (hg19) VCF-style: chr1-235599771-T-C.
Other names: c.898+6T>C (NM_001079515.3); c.1051+6T>C (NM_001287801.2); c.559+6T>C (NM_001287802.2).
Identifiers: ClinVar variation 1449541 (VCV001449541.4), dbSNP rs759799813, ClinGen allele CA39587383.